The following is an entry in ClinVar:

ClinVar aggregate classification (germline): Uncertain significance (1 of 4 stars; one submission).

Submission:

GeneDx
Classification: Uncertain significance. Last evaluated: 2024-12-19. Review status: criteria provided, single submitter. Criteria: GeneDx Variant Classification Process June 2021. Collection method: clinical testing. Allele origin: germline.
Comment: Frameshift variant predicted to result in protein truncation or nonsense mediated decay in a gene or region of a gene for which loss of function is not a well-established mechanism of disease; Not observed at significant frequency in large population cohorts (gnomAD); Has not been previously published as pathogenic or benign to our knowledge

NM_003036.4(SKI):c.1032dup (p.Ala345fs)

Gene: SKI (SKI proto-oncogene; plus strand). Cytogenetic location: 1p36.32.
Variant type: Duplication.
Coding change: c.1032dup on transcript NM_003036.4 (MANE Select); coding-DNA position 1032, one base duplicated (C; older notation c.1032dupC).
Protein change: p.Ala345fs; shifts the reading frame from alanine 345.
Molecular consequence: frameshift variant.
Genome position (GRCh38, 1-based): chr1:2,303,040, C duplicated; the last of 5 consecutive C bases (chr1:2,303,036-2,303,040); duplicating any one gives the same sequence. VCF-style (leftmost placement, unchanged base first): chr1-2303035-T-TC. GRCh37 (hg19) VCF-style: chr1-2234474-T-TC.
Other names: short protein forms A345fs.
Identifiers: ClinVar variation 2580634 (VCV002580634.2), dbSNP rs2521471894, ClinGen allele CA2580618185.